The following is an entry in ClinVar:

ClinVar aggregate classification (germline): Likely benign (1 of 4 stars; one submission).

Allele frequency attached by ClinVar (database versions not stated): ESP Exome Variant Server 0.00008; gnomAD 0.00009; ExAC 0.00011; TOPMed 0.00015.
gnomAD v4.1: 123 of 1,609,294 alleles (0.0076%); highest among the groups gnomAD compares: Admixed American, 0.074%; no homozygotes.

Submission:

CeGaT Center for Human Genetics Tuebingen
Classification: Likely benign. Last evaluated: 2026-04-01. Review status: criteria provided, single submitter. Criteria: CeGaT Center For Human Genetics Tuebingen Variant Classification Criteria Version 2. Collection method: clinical testing. Allele origin: germline. Affected: yes. Observed: 2 variant alleles.
Comment: SETD1A: BP4, BS1

NM_014712.3(SETD1A):c.4951-4G>A

Gene: SETD1A (SET domain containing 1A, histone lysine methyltransferase; plus strand). Cytogenetic location: 16p11.2.
Variant type: single nucleotide variant.
Coding change: c.4951-4G>A on transcript NM_014712.3 (MANE Select); 4 bases into the intron before coding-DNA position 4951, G replaced by A.
Molecular consequence: intron variant.
Genome position (GRCh38, 1-based): chr16:30,983,846, G>A. VCF-style: chr16-30983846-G-A. GRCh37 (hg19) VCF-style: chr16-30995167-G-A.
Identifiers: ClinVar variation 2646461 (VCV002646461.24), dbSNP rs374039092, ClinGen allele CA8017759.